The following is an entry in ClinVar:

ClinVar aggregate classification (germline): Pathogenic (1 of 4 stars; one submission).

Submission:

Labcorp Genetics (formerly Invitae), Labcorp
Classification: Pathogenic. Last evaluated: 2026-01-13. Review status: criteria provided, single submitter. Criteria: Invitae Variant Classification Sherloc (09022015). Collection method: clinical testing. Allele origin: germline.
Comment: This sequence change creates a premature translational stop signal (p.Ser116Valfs*4) in the POP1 gene. It is expected to result in an absent or disrupted protein product. Loss-of-function variants in POP1 are known to be pathogenic (PMID: 21455487). This variant is present in population databases (no rsID available, gnomAD 0.002%). This variant has not been reported in the literature in individuals affected with POP1-related conditions. For these reasons, this variant has been classified as Pathogenic.

Literature cited by the submitters: PubMed 21455487.

NM_001145860.2(POP1):c.346del (p.Ser116fs)

Gene: POP1 (POP1 ribonuclease P/MRP subunit; plus strand). Cytogenetic location: 8q22.2.
Variant type: Deletion.
Coding change: c.346del on transcript NM_001145860.2 (MANE Select); coding-DNA position 346, one base deleted (A; older notation c.346delA).
Protein change: p.Ser116fs; shifts the reading frame from serine 116.
Molecular consequence: frameshift variant.
Genome position (GRCh38, 1-based): chr8:98,128,400, A deleted. VCF-style (leftmost placement, unchanged base first): chr8-98128399-CA-C. GRCh37 (hg19) VCF-style: chr8-99140627-CA-C.
Other names: c.346del, p.Ser116fs (NM_001145861.2, NM_015029.3); short protein forms S116fs.
Identifiers: ClinVar variation 4706120 (VCV004706120.1).